The following is an entry in ClinVar:

NM_022041.4(GAN):c.413G>A (p.Arg138His)

Gene: GAN (gigaxonin; plus strand). Cytogenetic location: 16q23.2.
Variant type: single nucleotide variant.
Coding change: c.413G>A on transcript NM_022041.4 (MANE Select); coding-DNA position 413, G replaced by A.
Protein change: p.Arg138His; replaces arginine 138 with histidine.
Molecular consequence: missense variant. On other transcripts: 5 prime UTR variant (1).
Genome position (GRCh38, 1-based): chr16:81,354,535, G>A. VCF-style: chr16-81354535-G-A. GRCh37 (hg19) VCF-style: chr16-81388140-G-A.
Other names: c.-227G>A (NM_001377486.1); short protein forms R138H.
Identifiers: ClinVar variation 5035 (VCV000005035.13), dbSNP rs119485092, ClinGen allele CA253400.

ClinVar aggregate classification (germline): Conflicting classifications of pathogenicity. Review status: criteria provided, conflicting classifications (1 of 4 stars). 5 submissions from 5 submitters: Pathogenic (1); Uncertain significance (1). 3 of the submissions do not count toward it. Last evaluated 2023-02-04.

Conditions:
Giant axonal neuropathy 1 (GAN1). Also called: GIANT AXONAL NEUROPATHY 1, AUTOSOMAL RECESSIVE; GAN-Related Neurodegeneration. Identifiers: Orphanet 643, MedGen C1850386, MONDO:0009749, OMIM 256850.

Allele frequency attached by ClinVar (database versions not stated): gnomAD exomes below 0.00001; ExAC 0.00001.
gnomAD v4.1: 3 of 1,613,984 alleles (0.00019%); highest among the groups gnomAD compares: South Asian, 0.0011%; no homozygotes.

Submissions (5):

Department of Pathology and Laboratory Medicine, Sinai Health System
Classification: Uncertain significance for Giant axonal neuropathy 1. Last evaluated: 2023-02-04. Review status: criteria provided, single submitter. Criteria: ACMG Guidelines, 2015. Collection method: research. Allele origin: germline.

Labcorp Genetics (formerly Invitae), Labcorp
Classification: Pathogenic for Giant axonal neuropathy 1. Last evaluated: 2022-07-18. Review status: criteria provided, single submitter. Criteria: Invitae Variant Classification Sherloc (09022015). Collection method: clinical testing. Allele origin: germline.
Comment: This variant is present in population databases (rs119485092, gnomAD 0.0009%). This sequence change replaces arginine, which is basic and polar, with histidine, which is basic and polar, at codon 138 of the GAN protein (p.Arg138His). Algorithms developed to predict the effect of missense changes on protein structure and function (SIFT, PolyPhen-2, Align-GVGD) all suggest that this variant is likely to be disruptive. For these reasons, this variant has been classified as Pathogenic. Experimental studies have shown that this missense change affects GAN function (PMID: 24758703). ClinVar contains an entry for this variant (Variation ID: 5035). This missense change has been observed in individual(s) with a mild form of giant axonal neuropathy (PMID: 11053687, 11062483). It has also been observed to segregate with disease in related individuals.

Inherited Neuropathy Consortium Ii, University Of Miami
Classification: Uncertain significance for Giant axonal neuropathy 1. Last evaluated: 2016-01-06. Review status: no assertion criteria provided. Collection method: literature only. Allele origin: germline. Affected: yes. Not counted in ClinVar's aggregate classification.

OMIM
Classification: Pathogenic for GIANT AXONAL NEUROPATHY 1. Last evaluated: 2000-12-01. Review status: no assertion criteria provided. Collection method: literature only. Allele origin: germline. Not counted in ClinVar's aggregate classification.

Inherited Neuropathy Consortium
Classification: Uncertain significance for Giant axonal neuropathy. Review status: no assertion criteria provided. Collection method: literature only. Allele origin: germline. Affected: yes. Not counted in ClinVar's aggregate classification.

Literature cited by the submitters: PubMed 24758703 (cited by Labcorp Genetics (formerly Invitae), Labcorp); PubMed 11053687 (cited by Labcorp Genetics (formerly Invitae), Labcorp and OMIM); PubMed 11062483 (cited by 4 submitters).